The following is an entry in ClinVar:

NM_031308.4(EPPK1):c.1320C>T (p.Asp440=)

Gene: EPPK1 (epiplakin 1; minus strand). Cytogenetic location: 8q24.3.
Variant type: single nucleotide variant.
Coding change: c.1320C>T on transcript NM_031308.4 (MANE Select); coding-DNA position 1320, C replaced by T.
Protein change: p.Asp440=; no amino-acid change (aspartic acid 440 retained).
Molecular consequence: synonymous variant.
Genome position (GRCh38, 1-based): chr8:143,871,934, G>A on the plus strand (C>T on the coding strand, the complement: EPPK1 is on the minus strand). VCF-style: chr8-143871934-G-A. GRCh37 (hg19) VCF-style: chr8-144946102-G-A.
Identifiers: ClinVar variation 3053411 (VCV003053411.2), dbSNP rs369399530, ClinGen allele CA4923394.

ClinVar aggregate classification (germline): Likely benign (0 of 4 stars; one submission).

Conditions:
EPPK1-related disorder. Also called: EPPK1-related condition.

Allele frequency attached by ClinVar (database versions not stated): gnomAD exomes 0.00016; ExAC 0.00054; 1000 Genomes Project 0.00100; 1000 Genomes Project 30x 0.00109; ESP Exome Variant Server 0.00146; TOPMed 0.00183.

Submission:

PreventionGenetics, part of Exact Sciences
Classification: Likely benign for EPPK1-related condition. Last evaluated: 2022-04-18. Review status: no assertion criteria provided. Collection method: clinical testing. Allele origin: germline.
Comment: This variant is classified as likely benign based on ACMG/AMP sequence variant interpretation guidelines (Richards et al. 2015 PMID: 25741868, with internal and published modifications).